The following is an entry in ClinVar:

ClinVar aggregate classification (germline): Uncertain significance (1 of 4 stars; one submission).

Submission:

Ambry Genetics
Classification: Uncertain significance. Last evaluated: 2024-10-12. Review status: criteria provided, single submitter. Criteria: Ambry Variant Classification Scheme 2023. Collection method: clinical testing. Allele origin: germline.
Comment: The p.D524E variant (also known as c.1572C>G), located in coding exon 3 of the ALPK2 gene, results from a C to G substitution at nucleotide position 1572. The aspartic acid at codon 524 is replaced by glutamic acid, an amino acid with highly similar properties. This amino acid position is conserved. In addition, this alteration is predicted to be tolerated by in silico analysis. Based on the available evidence, the clinical significance of this variant remains unclear.

NM_052947.4(ALPK2):c.1572C>G (p.Asp524Glu)

Gene: ALPK2 (alpha kinase 2; minus strand). Cytogenetic location: 18q21.31.
Variant type: single nucleotide variant.
Coding change: c.1572C>G on transcript NM_052947.4 (MANE Select); coding-DNA position 1572, C replaced by G.
Protein change: p.Asp524Glu; replaces aspartic acid 524 with glutamic acid.
Molecular consequence: missense variant.
Genome position (GRCh38, 1-based): chr18:58,579,204, G>C on the plus strand (C>G on the coding strand, the complement: ALPK2 is on the minus strand). VCF-style: chr18-58579204-G-C. GRCh37 (hg19) VCF-style: chr18-56246436-G-C.
Other names: short protein forms D524E.
Identifiers: ClinVar variation 3531692 (VCV003531692.1).